The following is an entry in ClinVar:

ClinVar aggregate classification (germline): Likely benign. Review status: criteria provided, multiple submitters, no conflicts (2 of 4 stars). 4 submissions from 4 submitters: Likely benign (3). 1 of the submissions does not count toward it. Last evaluated 2025-01-10.

Conditions:
NME8-related disorder. Also called: NME8-related condition.
Primary ciliary dyskinesia 6. Also called: Primary Ciliary Dyskinesia 6: TXNDC3-Related Primary Ciliary Dyskinesia. Identifiers: Orphanet 244, MedGen C1970506, MONDO:0012571, OMIM 610852.
Primary ciliary dyskinesia. Also called: Ciliary dyskinesia. Identifiers: Orphanet 244, MedGen C0008780, MONDO:0016575, HP:0012265.

Allele frequency attached by ClinVar (database versions not stated): ExAC 0.00007; TOPMed 0.00008; gnomAD 0.00011; gnomAD exomes 0.00011 and 0.00014.
gnomAD v4.1: 214 of 1,612,458 alleles (0.013%); highest among the groups gnomAD compares: Non-Finnish European, 0.016%; no homozygotes.

Submissions (4):

Labcorp Genetics (formerly Invitae), Labcorp
Classification: Likely benign for Primary ciliary dyskinesia 6. Last evaluated: 2025-01-10. Review status: criteria provided, single submitter. Criteria: Invitae Variant Classification Sherloc (09022015). Collection method: clinical testing. Allele origin: germline.

Ambry Genetics
Classification: Likely benign for Primary ciliary dyskinesia. Last evaluated: 2024-04-21. Review status: criteria provided, single submitter. Criteria: Ambry Variant Classification Scheme 2023. Collection method: clinical testing. Allele origin: germline.

Blueprint Genetics
Classification: Likely benign. Last evaluated: 2024-01-31. Review status: criteria provided, single submitter. Criteria: ACMG Guidelines, 2015. Collection method: clinical testing. Allele origin: germline.

PreventionGenetics, part of Exact Sciences
Classification: Likely benign for NME8-related condition. Last evaluated: 2023-03-14. Review status: no assertion criteria provided. Collection method: clinical testing. Allele origin: germline. Not counted in ClinVar's aggregate classification.
Comment: This variant is classified as likely benign based on ACMG/AMP sequence variant interpretation guidelines (Richards et al. 2015 PMID: 25741868, with internal and published modifications).

NM_016616.5(NME8):c.285C>T (p.Ile95=)

Gene: NME8 (NME/NM23 family member 8; plus strand). Cytogenetic location: 7p14.1.
Variant type: single nucleotide variant.
Coding change: c.285C>T on transcript NM_016616.5 (MANE Select); coding-DNA position 285, C replaced by T.
Protein change: p.Ile95=; no amino-acid change (isoleucine 95 retained).
Molecular consequence: synonymous variant.
Genome position (GRCh38, 1-based): chr7:37,862,042, C>T. VCF-style: chr7-37862042-C-T. GRCh37 (hg19) VCF-style: chr7-37901644-C-T.
Identifiers: ClinVar variation 696939 (VCV000696939.14), dbSNP rs201295247, ClinGen allele CA4222141.